The following is an entry in ClinVar:

NM_175914.5(HNF4A):c.421C>T (p.Arg141Ter)

Gene: HNF4A (hepatocyte nuclear factor 4 alpha; plus strand). Cytogenetic location: 20q13.12.
Variant type: single nucleotide variant.
Coding change: c.421C>T on transcript NM_175914.5 (MANE Select); coding-DNA position 421, C replaced by T.
Protein change: p.Arg141Ter; replaces arginine 141 with a stop codon.
Molecular consequence: nonsense.
Genome position (GRCh38, 1-based): chr20:44,413,795, C>T. VCF-style: chr20-44413795-C-T. GRCh37 (hg19) VCF-style: chr20-43042435-C-T.
Other names: R154*; NM_175914.5(HNF4A):c.421C>T; p.Arg141Ter; c.487C>T, p.Arg163Ter (NM_000457.6, NM_178849.3, NM_178850.3); c.421C>T, p.Arg141Ter (NM_001030003.3, NM_001030004.3); c.466C>T, p.Arg156Ter (NM_001258355.2); c.412C>T, p.Arg138Ter (NM_001287182.2, NM_001287183.2, NM_001287184.2); c.421C>T (NM_175914.4); short protein forms R141*, R156*, R163*, R138*.
Identifiers: ClinVar variation 9211 (VCV000009211.10), dbSNP rs137853335, ClinGen allele CA120194.
Genomic context (GRCh38, chr20:44,413,795, plus strand): 5'-AGCTATGAGGACAGCAGCCTGCCCTCCATCAATGCGCTCCTGCAGGCGGAGGTCCTGTCC[C>T]GACAGGTACCGGGGTGATCCTGCCACCCACCCAGGGATCCCCCACACTACAGAGGAGCTC-3'

ClinVar aggregate classification (germline): Pathogenic. Review status: reviewed by expert panel (3 of 4 stars). 7 submissions from 7 submitters: Pathogenic (1). 6 of the submissions do not count toward it. Last evaluated 2024-05-09.

Conditions:
HNF4A-related disorder. Also called: HNF4A-related condition.
Monogenic diabetes. Identifiers: Orphanet 183625, MedGen C3888631, MONDO:0015967.
Maturity-onset diabetes of the young (MODY). Also called: Maturity onset diabetes mellitus in young. Identifiers: Orphanet 552, MedGen C0342276, MONDO:0018911, HP:0004904.
Maturity-onset diabetes of the young type 1. Also called: MODY, type I; MODY type 1; Diabetes mellitus MODY type 1; MODY HNF4A related; HNF4A-Related Maturity-Onset Diabetes of the Young Type 1; MILD JUVENILE DIABETES MELLITUS. Identifiers: Orphanet 552, MedGen C1852093, MONDO:0007452, OMIM 125850. Disease mechanism: loss of function.

Submissions (7):

ClinGen Monogenic Diabetes Variant Curation Expert Panel
Classification: Pathogenic for Monogenic diabetes. Last evaluated: 2024-05-09. Review status: reviewed by expert panel. Criteria: ClinGen Diabetes ACMG Specifications HNF4A V2.0.0. Collection method: curation. Allele origin: germline. Inheritance: Autosomal dominant inheritance.
Comment: The c.421C>T variant in the hepatocyte nuclear factor 4-alpha gene, HNF4A, results in a premature termination at codon 141 (p.(Arg141Ter)) of NM_175914.5. This variant, located in biologically-relevant exon 4 of 10, is predicted to lead to nonsense mediated decay in a gene in which loss-of-function is an established disease mechanism (PVS1; PMID:23348805). This variant is absent from gnomAD v2.1.1 (PM2_Supporting), and was identified in at least 10 unrelated individuals with non-autoimmune and non-absolute/near-absolute insulin-deficient diabetes (PS4; PMID: 9294105, internal lab contributors). Three individuals had a clinical history highly specific for HNF4A-MODY monogenic diabetes (MODY probability calculator result >50%, negative genetic testing for HNF1A, and response to low-dose sulfonylureas) (PP4_Moderate; internal lab contributors). This variant also segregated with diabetes, with at least seven informative meioses in two families (PP1_Strong; PMID: 9294105, internal lab contributor). In summary, c.421C>T meets the criteria to be classified as pathogenic for monogenic diabetes. ACMG/AMP criteria applied, as specified by the ClinGen MDEP (specification version 2.0.0, approved 10/11/2023): PVS1, PP1_Strong, PS4, PP4_Moderate, PM2_Supporting).

PreventionGenetics, part of Exact Sciences
Classification: Pathogenic for HNF4A-related condition. Last evaluated: 2026-03-18. Review status: criteria provided, single submitter. Criteria: ACMG Guidelines, 2015. Collection method: clinical testing. Allele origin: germline. Not counted in ClinVar's aggregate classification.
Comment: The HNF4A c.421C>T variant is predicted to result in premature protein termination (p.Arg141*). Also known as R154X in the literature, this variant has been reported to be causative for maturity-onset diabetes of the young (MODY) (Lindner et al. 1997. PubMed ID: 9294105; Lausen et al. 2000. PubMed ID: 10606640). This variant has not been reported in a large population database (gnomAD), indicating this variant is rare. This variant is classified as pathogenic by the ClinGen Monogenic Diabetes Variant Curation Expert Panel. Nonsense variants in HNF4A are expected to be pathogenic. This variant is interpreted as pathogenic.

Women's Health and Genetics/Laboratory Corporation of America, LabCorp
Classification: Pathogenic for Maturity-onset diabetes of the young. Last evaluated: 2026-03-05. Review status: criteria provided, single submitter. Criteria: LabCorp Variant Classification Summary - May 2015. Collection method: clinical testing. Allele origin: germline. Not counted in ClinVar's aggregate classification.
Comment: Variant summary: HNF4A c.421C>T (p.Arg141X) results in a premature termination codon, predicted to cause absence of the protein due to nonsense mediated decay, which is a commonly known mechanism for disease. The variant was absent in 245998 control chromosomes (gnomAD). c.421C>T has been observed in individuals affected with Maturity Onset Diabetes Of The Young 1/Neonatal Diabetes Mellitus (e.g. Abreu_2022). The following publication has been ascertained in the context of this evaluation (PMID: 35592779). ClinVar contains an entry for this variant (Variation ID: 9211). Based on the evidence outlined above, the variant was classified as pathogenic.

3billion
Classification: Pathogenic for Maturity-onset diabetes of the young type 1. Last evaluated: 2025-09-16. Review status: criteria provided, single submitter. Criteria: ACMG Guidelines, 2015. Collection method: clinical testing. Allele origin: germline. Affected: yes. Not counted in ClinVar's aggregate classification.
Comment: The variant is not observed in the gnomAD v4.1.0 dataset. Predicted Consequence/Location: Stop-gained (nonsense): predicted to result in a loss or disruption of normal protein function through nonsense-mediated decay (NMD) or protein truncation. Multiple pathogenic variants are reported downstream of the variant. The variant has been reported multiple times as an established pathogenic variant (ClinVar ID: VCV000009211 /PMID: 9294105). Therefore, this variant is classified as Pathogenic according to the recommendation of ACMG/AMP guideline.

Labcorp Genetics (formerly Invitae), Labcorp
Classification: Pathogenic. Last evaluated: 2025-08-26. Review status: criteria provided, single submitter. Criteria: Invitae Variant Classification Sherloc (09022015). Collection method: clinical testing. Allele origin: germline. Not counted in ClinVar's aggregate classification.
Comment: This sequence change creates a premature translational stop signal (p.Arg141*) in the HNF4A gene. It is expected to result in an absent or disrupted protein product. Loss-of-function variants in HNF4A are known to be pathogenic (PMID: 20164212, 23275527, 23348805, 24097065). This variant is not present in population databases (gnomAD no frequency). This premature translational stop signal has been observed in individual(s) with maturity onset diabetes of the young (PMID: 9294105). This variant is also known as R154X. ClinVar contains an entry for this variant (Variation ID: 9211). Algorithms developed to predict the effect of variants on gene product structure and function are not available or were not evaluated for this variant. Experimental studies have shown that this premature translational stop signal affects HNF4A function (PMID: 10606640). For these reasons, this variant has been classified as Pathogenic.

Athena Diagnostics
Classification: Pathogenic. Last evaluated: 2021-08-17. Review status: criteria provided, single submitter. Criteria: Athena Diagnostics Criteria. Collection method: clinical testing. Allele origin: unknown. Not counted in ClinVar's aggregate classification.
Comment: This variant is expected to result in the loss of a functional protein. This variant has not been reported in large, multi-ethnic general populations. This variant has been identified in at least one individual with clinical features associated with this gene. Assessment of experimental evidence suggests this variant results in abnormal protein function. Experiments indicate this variant impairs transcriptional activity (PMID: 10606640, 11435618).

OMIM
Classification: Pathogenic for MATURITY-ONSET DIABETES OF THE YOUNG, TYPE 1. Last evaluated: 2001-07-01. Review status: no assertion criteria provided. Collection method: literature only. Allele origin: germline. Not counted in ClinVar's aggregate classification.

Literature cited by the submitters: PubMed 35592779 (cited by Women's Health and Genetics/Laboratory Corporation of America, LabCorp); PubMed 9294105 (cited by 4 submitters); PubMed 20164212 (cited by Labcorp Genetics (formerly Invitae), Labcorp); PubMed 23275527 (cited by Labcorp Genetics (formerly Invitae), Labcorp); PubMed 23348805 (cited by Labcorp Genetics (formerly Invitae), Labcorp); PubMed 24097065 (cited by Labcorp Genetics (formerly Invitae), Labcorp); PubMed 10606640 (cited by Labcorp Genetics (formerly Invitae), Labcorp and Athena Diagnostics); PubMed 31578528 (cited by Athena Diagnostics); PubMed 11435618 (cited by Athena Diagnostics and OMIM).